The following is an entry in ClinVar:

NM_020760.4(HECW2):c.3650+9_3650+10del

Gene: HECW2 (HECT, C2 and WW domain containing E3 ubiquitin protein ligase 2; minus strand). Cytogenetic location: 2q32.3.
Variant type: Deletion.
Coding change: c.3650+9_3650+10del on transcript NM_020760.4; bases 9 to 10 of the intron after coding-DNA position 3650, 2 bases deleted (AA; older notation c.3650+9_3650+10delAA).
Genome position (GRCh38, 1-based): chr2:196,242,074-196,242,075, TT deleted on the plus strand (AA on the coding strand, the reverse complement: HECW2 is on the minus strand); deleting any 2 consecutive bases within chr2:196,242,074-196,242,076 gives the same sequence; the c. name uses the placement nearest the transcript's 3' end. VCF-style (leftmost placement, unchanged base first): chr2-196242073-CTT-C. GRCh37 (hg19) VCF-style: chr2-197106797-CTT-C.
Other names: c.3650+9_3650+10del (NM_001348768.2, NM_020760.2); c.2582+9_2582+10del (NM_001304840.3).
Identifiers: ClinVar variation 737374 (VCV000737374.8), dbSNP rs565950385, ClinGen allele CA2037701.

ClinVar aggregate classification (germline): Benign/Likely benign. Review status: criteria provided, multiple submitters, no conflicts (2 of 4 stars). 3 submissions from 3 submitters: Benign (1); Likely benign (1). 1 of the submissions does not count toward it. Last evaluated 2023-11-27.

Conditions:
HECW2-related disorder. Also called: HECW2-related condition.

Submissions (3):

Blueprint Genetics
Classification: Likely benign. Last evaluated: 2023-11-27. Review status: criteria provided, single submitter. Criteria: ACMG Guidelines, 2015. Collection method: clinical testing. Allele origin: germline.

Labcorp Genetics (formerly Invitae), Labcorp
Classification: Benign. Last evaluated: 2019-12-31. Review status: criteria provided, single submitter. Criteria: Invitae Variant Classification Sherloc (09022015). Collection method: clinical testing. Allele origin: germline.

PreventionGenetics, part of Exact Sciences
Classification: Benign for HECW2-related condition. Last evaluated: 2024-04-02. Review status: no assertion criteria provided. Collection method: clinical testing. Allele origin: germline. Not counted in ClinVar's aggregate classification.
Comment: This variant is classified as benign based on ACMG/AMP sequence variant interpretation guidelines (Richards et al. 2015 PMID: 25741868, with internal and published modifications).